The following is an entry in ClinVar:

NM_006846.4(SPINK5):c.460A>G (p.Ser154Gly)

Gene: SPINK5 (serine peptidase inhibitor Kazal type 5; plus strand). Cytogenetic location: 5q32.
Variant type: single nucleotide variant.
Coding change: c.460A>G on transcript NM_006846.4 (MANE Select); coding-DNA position 460, A replaced by G.
Protein change: p.Ser154Gly; replaces serine 154 with glycine.
Molecular consequence: missense variant.
Genome position (GRCh38, 1-based): chr5:148,088,591, A>G. VCF-style: chr5-148088591-A-G. GRCh37 (hg19) VCF-style: chr5-147468154-A-G.
Other names: c.460A>G, p.Ser154Gly (NM_001127698.2, NM_001127699.2); short protein forms S154G.
Identifiers: ClinVar variation 1934602 (VCV001934602.2), dbSNP rs756283031, ClinGen allele CA3495227.

ClinVar aggregate classification (germline): Uncertain significance (1 of 4 stars; one submission).

Conditions:
Netherton syndrome (NETH). Also called: ERYTHRODERMA, ICHTHYOSIFORM, WITH HYPOTRICHOSIS AND HYPER-IgE; COMEL-NETHERTON SYNDROME; NETHERTON DISEASE. Identifiers: Orphanet 634, MedGen C5574950, MONDO:0009735, OMIM 256500.

Allele frequency attached by ClinVar (database versions not stated): ExAC 0.00001; gnomAD 0.00001; TOPMed 0.00001.
gnomAD v4.1: 3 of 1,611,600 alleles (0.00019%); highest among the groups gnomAD compares: Admixed American, 0.0017%; no homozygotes.

Submission:

Labcorp Genetics (formerly Invitae), Labcorp
Classification: Uncertain significance for Ichthyosis linearis circumflexa. Last evaluated: 2022-04-04. Review status: criteria provided, single submitter. Criteria: Invitae Variant Classification Sherloc (09022015). Collection method: clinical testing. Allele origin: germline.
Comment: This sequence change replaces serine, which is neutral and polar, with glycine, which is neutral and non-polar, at codon 154 of the SPINK5 protein (p.Ser154Gly). The frequency data for this variant in the population databases is considered unreliable, as metrics indicate poor data quality at this position in the gnomAD database. This variant has not been reported in the literature in individuals affected with SPINK5-related conditions. Algorithms developed to predict the effect of missense changes on protein structure and function output the following: SIFT: "Tolerated"; PolyPhen-2: "Benign"; Align-GVGD: "Class C0". The glycine amino acid residue is found in multiple mammalian species, which suggests that this missense change does not adversely affect protein function. In summary, the available evidence is currently insufficient to determine the role of this variant in disease. Therefore, it has been classified as a Variant of Uncertain Significance.